The following is an entry in ClinVar:

ClinVar aggregate classification (germline): Conflicting classifications of pathogenicity. Review status: criteria provided, conflicting classifications (1 of 4 stars). 13 submissions from 13 submitters: Uncertain significance (10); Likely benign (3). Last evaluated 2026-09-18.

Conditions:
Cardiovascular phenotype. Identifiers: MedGen CN230736.
TTN-related disorder. Also called: TTN-related disorders; TTN-related condition; TTN-related disease.
Dilated cardiomyopathy 1G (CMD1G). Identifiers: Orphanet 154, MedGen C1858763, MONDO:0011400, OMIM 604145.
Autosomal recessive limb-girdle muscular dystrophy type 2J (LGMDR10). Also called: Limb-girdle muscular dystrophy, type 2J; MUSCULAR DYSTROPHY, LIMB-GIRDLE, AUTOSOMAL RECESSIVE 10. Identifiers: Orphanet 140922, MedGen C1837342, MONDO:0012127, OMIM 608807.
Cardiomyopathy (CMYO). Also called: Cardiomyopathies. Identifiers: Orphanet 167848, MedGen C0878544, MONDO:0004994, HP:0001638. Inheritance: Various modes of inheritance.

Allele frequency attached by ClinVar (database versions not stated): gnomAD 0.00004 and 0.00005; ExAC 0.00008; ESP Exome Variant Server 0.00008; gnomAD exomes 0.00009 and 0.00010; TOPMed 0.00009.
gnomAD v4.1: 145 of 1,613,202 alleles (0.009%); highest among the groups gnomAD compares: Middle Eastern, 0.18%; no homozygotes.

Submissions (13):

PreventionGenetics, part of Exact Sciences
Classification: Uncertain significance for TTN-related condition. Last evaluated: 2026-09-18. Review status: criteria provided, single submitter. Criteria: ACMG Guidelines, 2015. Collection method: clinical testing. Allele origin: germline.
Comment: The TTN c.70102A>G variant is predicted to result in the amino acid substitution p.Ile23368Val. This variant has been reported in both control and affected individuals in a dilated cardiomyopathy cohort (Tables S3 and S4, Mazzarotto et al. 2020. PubMed ID: 31983221). This variant has also been documented with a second TTN missense variant in an individual with TTN-related phenotypes (Table S2, Abolhassani et al. 2024. PubMed ID: 38374194). This variant is reported in 0.016% of alleles in individuals of European (Non-Finnish) descent in gnomAD. Although we suspect that this variant may be benign, at this time, the clinical significance of this variant is uncertain due to the absence of conclusive functional and genetic evidence.

Dasa
Classification: Likely benign. Last evaluated: 2026-01-29. Review status: criteria provided, single submitter. Criteria: DASA Assertion Criteria. Collection method: clinical testing. Allele origin: germline.
Comment: NM_001267550.2(TTN):c.70102A>G (p.Ile23368Val) is a missense variant that results in the substitution of isoleucine with valine. Population frequency is inconsistent with a disease-causing role for this variant. Computational prediction algorithms are consistent with a benign effect. Therefore, based on the currently available evidence, this variant is classified as likely benign.

Molecular Diagnostic Laboratory for Inherited Cardiovascular Disease, Montreal Heart Institute
Classification: Likely benign. Last evaluated: 2025-04-09. Review status: criteria provided, single submitter. Criteria: ACMG Guidelines, 2015. Collection method: clinical testing. Allele origin: germline. Affected: no.

Women's Health and Genetics/Laboratory Corporation of America, LabCorp
Classification: Uncertain significance. Last evaluated: 2024-04-15. Review status: criteria provided, single submitter. Criteria: LabCorp Variant Classification Summary - May 2015. Collection method: clinical testing. Allele origin: germline.
Comment: Variant summary: TTN c.62398A>G (p.Ile20800Val) results in a conservative amino acid change located in the the A-band region of the encoded protein sequence. Two of four in-silico tools predict a benign effect of the variant on protein function. The variant allele was found at a frequency of 0.0001 in 248540 control chromosomes. c.62398A>G has been reported in the literature in one unspecified individual affected with dilated Cardiomyopathy (Mazzarotto_2020). These report(s) do not provide unequivocal conclusions about association of the variant with Limb-Girdle Muscular Dystrophy, Type 2J and other TTN-related diseases. To our knowledge, no experimental evidence demonstrating an impact on protein function has been reported. The following publication have been ascertained in the context of this evaluation (PMID: 31983221). ClinVar contains an entry for this variant (Variation ID: 165860). Based on the evidence outlined above, the variant was classified as uncertain significance.

CeGaT Center for Human Genetics Tuebingen
Classification: Uncertain significance. Last evaluated: 2023-01-01. Review status: criteria provided, single submitter. Criteria: CeGaT Center For Human Genetics Tuebingen Variant Classification Criteria Version 2. Collection method: clinical testing. Allele origin: germline. Affected: yes. Observed: 1 variant allele.

Revvity Omics, Revvity
Classification: Uncertain significance. Last evaluated: 2021-10-26. Review status: criteria provided, single submitter. Criteria: ACMG Guidelines, 2015. Collection method: clinical testing. Allele origin: germline.

GeneDx
Classification: Likely benign. Last evaluated: 2021-03-31. Review status: criteria provided, single submitter. Criteria: GeneDx Variant Classification Process June 2021. Collection method: clinical testing. Allele origin: germline. Affected: yes.
Comment: This variant is associated with the following publications: (PMID: 31983221)

CHEO Genetics Diagnostic Laboratory, Children's Hospital of Eastern Ontario
Classification: Uncertain significance for Cardiomyopathy. Last evaluated: 2021-01-19. Review status: criteria provided, single submitter. Criteria: ACMG Guidelines, 2015. Collection method: clinical testing. Allele origin: germline. Study: Canadian Open Genetics Repository.

Mayo Clinic Laboratories, Mayo Clinic
Classification: Uncertain significance. Last evaluated: 2020-08-18. Review status: criteria provided, single submitter. Criteria: ACMG Guidelines, 2015. Collection method: clinical testing. Allele origin: germline. Observed: 2 variant alleles.

Kariminejad - Najmabadi Pathology & Genetics Center
Classification: Uncertain significance. Last evaluated: 2020-02-15. Review status: criteria provided, single submitter. Criteria: ACMG Guidelines, 2015. Collection method: clinical testing. Allele origin: germline. Inheritance: Autosomal recessive inheritance. Affected: yes.
Comment: PM2, BP1

Ambry Genetics
Classification: Uncertain significance for Cardiovascular phenotype. Last evaluated: 2017-09-06. Review status: criteria provided, single submitter. Criteria: Ambry Variant Classification Scheme 2023. Collection method: clinical testing. Allele origin: germline.
Comment: The p.I14303V variant (also known as c.42907A>G), located in coding exon 153 of the TTN gene, results from an A to G substitution at nucleotide position 42907. The isoleucine at codon 14303 is replaced by valine, an amino acid with highly similar properties. This amino acid position is highly conserved in available vertebrate species. In addition, this alteration is predicted to be tolerated by in silico analysis. Since supporting evidence is limited at this time, the clinical significance of this alteration remains unclear.

Labcorp Genetics (formerly Invitae), Labcorp
Classification: Uncertain significance for Dilated cardiomyopathy 1G; Autosomal recessive limb-girdle muscular dystrophy type 2J. Last evaluated: 2017-06-28. Review status: criteria provided, single submitter. Criteria: Invitae Variant Classification Sherloc (09022015). Collection method: clinical testing. Allele origin: germline.

Laboratory for Molecular Medicine, Mass General Brigham Personalized Medicine
Classification: Uncertain significance. Last evaluated: 2013-12-05. Review status: criteria provided, single submitter. Criteria: LMM Criteria. Collection method: clinical testing. Allele origin: germline. Observed: 1 variant allele.
Comment: The Ile20800Val variant in TTN has not been previously reported in individuals w ith cardiomyopathy, but has been identified in 1/8230 European American chromoso mes by the NHLBI Exome Sequencing Project. Co mputational analyses (biochemical amino acid properties, conservation, PolyPhen2 , and SIFT) suggest that this variant may impact the protein, though this inform ation is not predictive enough to determine pathogenicity. Additional informatio n is needed to fully assess the clinical significance of this variant.

Literature cited by the submitters: PubMed 31983221 (cited by Women's Health and Genetics/Laboratory Corporation of America, LabCorp).

NM_001267550.2(TTN):c.70102A>G (p.Ile23368Val)

Genes: TTN (titin; minus strand), TTN-AS1 (TTN antisense RNA 1; plus strand), LOC126806422 (BRD4-independent group 4 enhancer GRCh37_chr2:179440205-179441404; plus strand). Cytogenetic location: 2q31.2.
Variant type: single nucleotide variant.
Coding change: c.70102A>G on transcript NM_001267550.2 (MANE Select); coding-DNA position 70102, A replaced by G.
Protein change: p.Ile23368Val; replaces isoleucine 23368 with valine.
Molecular consequence: missense variant.
Genome position (GRCh38, 1-based): chr2:178,576,030, T>C on the plus strand (A>G on the coding strand, the complement: TTN is on the minus strand). VCF-style: chr2-178576030-T-C. GRCh37 (hg19) VCF-style: chr2-179440757-T-C.
Other names: p.I21727V:ATT>GTT; c.65179A>G, p.Ile21727Val (NM_001256850.1); c.42907A>G, p.Ile14303Val (NM_003319.4); c.62398A>G, p.Ile20800Val (NM_133378.4); c.43282A>G, p.Ile14428Val (NM_133432.3); c.43483A>G, p.Ile14495Val (NM_133437.4); short protein forms I20800V, I23368V, I21727V, I14303V, I14428V, I14495V.
Identifiers: ClinVar variation 165860 (VCV000165860.65), dbSNP rs367914610, ClinGen allele CA178539.